The following is an entry in ClinVar:

ClinVar aggregate classification (germline): Likely pathogenic (1 of 4 stars; one submission).

Conditions:
Primary ciliary dyskinesia. Also called: Ciliary dyskinesia. Identifiers: Orphanet 244, MedGen C0008780, MONDO:0016575, HP:0012265.

Submission:

Labcorp Genetics (formerly Invitae), Labcorp
Classification: Likely pathogenic for Primary ciliary dyskinesia. Last evaluated: 2024-01-14. Review status: criteria provided, single submitter. Criteria: Invitae Variant Classification Sherloc (09022015). Collection method: clinical testing. Allele origin: germline.
Comment: This variant results in the deletion of part of exon 29 (c.4792_4796+10del) of the DNAH5 gene. It is expected to disrupt RNA splicing. Variants that disrupt the donor or acceptor splice site typically lead to a loss of protein function (PMID: 16199547), and loss-of-function variants in DNAH5 are known to be pathogenic (PMID: 11788826, 16627867). This variant is not present in population databases (gnomAD no frequency). This variant has not been reported in the literature in individuals affected with DNAH5-related conditions. In summary, the currently available evidence indicates that the variant is pathogenic, but additional data are needed to prove that conclusively. Therefore, this variant has been classified as Likely Pathogenic.

Literature cited by the submitters: PubMed 16199547; PubMed 11788826; PubMed 16627867.

NM_001369.3(DNAH5):c.4792_4796+10del

Genes: DNAH5 (dynein axonemal heavy chain 5; minus strand), DNAH5-AS1 (DNAH5 antisense RNA 1; plus strand). Cytogenetic location: 5p15.2.
Variant type: Deletion.
Coding change: c.4792_4796+10del on transcript NM_001369.3 (MANE Select); coding-DNA position 4792 through 10 bases into the intron after coding-DNA position 4796, 15 bases deleted (AACAGGTGGGAAAAC).
Molecular consequence: splice donor variant.
Genome position (GRCh38, 1-based): chr5:13,862,538-13,862,552, GTTTTCCCACCTGTT deleted on the plus strand (AACAGGTGGGAAAAC on the coding strand, the reverse complement: DNAH5 is on the minus strand); deleting any 15 consecutive bases within chr5:13,862,538-13,862,553 gives the same sequence; the c. name uses the placement nearest the transcript's 3' end. VCF-style (leftmost placement, unchanged base first): chr5-13862537-GGTTTTCCCACCTGTT-G. GRCh37 (hg19) VCF-style: chr5-13862646-GGTTTTCCCACCTGTT-G.
Identifiers: ClinVar variation 2708491 (VCV002708491.3), dbSNP rs2546973147, ClinGen allele CA2697547034.